The following is an entry in ClinVar:

NM_002500.5(NEUROD1):c.496G>T (p.Val166Phe)

Gene: NEUROD1 (neuronal differentiation 1; minus strand). Cytogenetic location: 2q31.3.
Variant type: single nucleotide variant.
Coding change: c.496G>T on transcript NM_002500.5 (MANE Select); coding-DNA position 496, G replaced by T.
Protein change: p.Val166Phe; replaces valine 166 with phenylalanine.
Molecular consequence: missense variant.
Genome position (GRCh38, 1-based): chr2:181,678,365, C>A on the plus strand (G>T on the coding strand, the complement: NEUROD1 is on the minus strand). VCF-style: chr2-181678365-C-A. GRCh37 (hg19) VCF-style: chr2-182543092-C-A.
Other names: short protein forms V166F.
Identifiers: ClinVar variation 3339708 (VCV003339708.1).
Genomic context (GRCh38, chr2:181,678,365, plus strand): 5'-CCGCAACCAGGTTGGTGGTGGGTTGGGATAAGCCCTTGCAAAGCGTCTGAACGAAGGAGA[C>A]CAGGTCTGGGCTTTTGCCTGAGCGCAGGATCTCCGACAGAGCCCAGATGTAGTTCTTGGC-3'
Protein context (NP_002491.3, residues 156-176): ILRSGKSPDL[Val166Phe]SFVQTLCKGL

ClinVar aggregate classification (germline): Uncertain significance (1 of 4 stars; one submission).

Submission:

Women's Health and Genetics/Laboratory Corporation of America, LabCorp
Classification: Uncertain significance. Last evaluated: 2024-06-06. Review status: criteria provided, single submitter. Criteria: LabCorp Variant Classification Summary - May 2015. Collection method: clinical testing. Allele origin: germline.
Comment: Variant summary: NEUROD1 c.496G>T (p.Val166Phe) results in a non-conservative amino acid change located in the Neurogenic differentiation factor, domain of unknown function (IPR022575) of the encoded protein sequence. Three of five in-silico tools predict a benign effect of the variant on protein function. The variant allele was found at a frequency of 8e-06 in 251470 control chromosomes. The available data on variant occurrences in the general population are insufficient to allow any conclusion about variant significance. To our knowledge, no occurrence of c.496G>T in individuals affected with Monogenic Diabetes and no experimental evidence demonstrating its impact on protein function have been reported. No submitters have cited clinical-significance assessments for this variant to ClinVar. Based on the evidence outlined above, the variant was classified as uncertain significance.